The following is an entry in ClinVar:

NM_000540.3(RYR1):c.9362A>G (p.Gln3121Arg)

Gene: RYR1 (ryanodine receptor 1; plus strand). Cytogenetic location: 19q13.2.
Variant type: single nucleotide variant.
Coding change: c.9362A>G on transcript NM_000540.3 (MANE Select); coding-DNA position 9362, A replaced by G.
Protein change: p.Gln3121Arg; replaces glutamine 3121 with arginine.
Molecular consequence: missense variant.
Genome position (GRCh38, 1-based): chr19:38,512,373, A>G. VCF-style: chr19-38512373-A-G. GRCh37 (hg19) VCF-style: chr19-39003013-A-G.
Other names: c.9362A>G, p.Gln3121Arg (NM_001042723.2); short protein forms Q3121R.
Identifiers: ClinVar variation 3074719 (VCV003074719.1), dbSNP rs1468501108, ClinGen allele CA405687159.

ClinVar aggregate classification (germline): Uncertain significance (1 of 4 stars; one submission).

Conditions:
Malignant hyperthermia, susceptibility to, 1 (MHS1). Also called: Anesthesia related hyperthermia; Malignant hyperpyrexia; Fulminating hyperpyrexia; Pharmacogenic myopathy; RYR1-Related Malignant Hyperthermia Susceptibility; Malignant hyperthermia suceptibility 1. Identifiers: Orphanet 423, MedGen C2930980, MONDO:0007783, OMIM 145600.

Submission:

All of Us Research Program, National Institutes of Health
Classification: Uncertain significance for Malignant hyperthermia, susceptibility to, 1. Last evaluated: 2023-12-01. Review status: criteria provided, single submitter. Criteria: ACMG Guidelines, 2015. Collection method: clinical testing. Allele origin: germline. Inheritance: Autosomal dominant inheritance. Observed: 1 variant allele, 1 heterozygote.
Comment: This study involves interpretation of variants in research participants for the purpose of population health screening. Participant phenotype was not available at the time of variant classification. Additional details can be found in publication PMID: 35346344, PMCID: PMC8962531